The following is an entry in ClinVar:

ClinVar aggregate classification (germline): Conflicting classifications of pathogenicity. Review status: criteria provided, conflicting classifications (1 of 4 stars). 4 submissions from 4 submitters: Pathogenic (1); Likely pathogenic (2); Uncertain significance (1). Last evaluated 2025-03-04.

Conditions:
GDAP1-related disorder. Also called: GDAP1-related disorders; GDAP1-related condition.
Charcot-Marie-Tooth disease type 4A. Also called: Charcot-Marie-Tooth disease, demyelinating, autosomal recessive, type 4a. Identifiers: Orphanet 99948, MedGen C1859198, MONDO:0008961, OMIM 214400.

Allele frequency attached by ClinVar (database versions not stated): gnomAD exomes 0.00001; ExAC 0.00002; TOPMed 0.00002; gnomAD 0.00003; ESP Exome Variant Server 0.00023.
gnomAD v4.1: 18 of 1,613,970 alleles (0.0011%); highest among the groups gnomAD compares: African/African-American, 0.0027%; no homozygotes.

Submissions (4):

Mayo Clinic Laboratories, Mayo Clinic
Classification: Uncertain significance. Last evaluated: 2025-03-04. Review status: criteria provided, single submitter. Criteria: ACMG Guidelines, 2015. Collection method: clinical testing. Allele origin: germline. Observed: 1 variant allele.
Comment: PM2_supporting, PVS1_strong

Labcorp Genetics (formerly Invitae), Labcorp
Classification: Pathogenic for Charcot-Marie-Tooth disease type 4A. Last evaluated: 2024-06-30. Review status: criteria provided, single submitter. Criteria: Invitae Variant Classification Sherloc (09022015). Collection method: clinical testing. Allele origin: germline.
Comment: This sequence change creates a premature translational stop signal (p.Arg273*) in the GDAP1 gene. While this is not anticipated to result in nonsense mediated decay, it is expected to disrupt the last 86 amino acid(s) of the GDAP1 protein. This variant is present in population databases (rs150989205, gnomAD 0.008%). This premature translational stop signal has been observed in individual(s) with clinical features of GDAP1-related conditions (PMID: 25614874). ClinVar contains an entry for this variant (Variation ID: 849494). Algorithms developed to predict the effect of sequence changes on RNA splicing suggest that this variant may disrupt the consensus splice site. This variant disrupts a region of the GDAP1 protein in which other variant(s) (p.Arg341Glnfs*12) have been determined to be pathogenic (Invitae). This suggests that this is a clinically significant region of the protein, and that variants that disrupt it are likely to be disease-causing. For these reasons, this variant has been classified as Pathogenic.

GeneDx
Classification: Likely pathogenic. Last evaluated: 2023-10-03. Review status: criteria provided, single submitter. Criteria: GeneDx Variant Classification Process June 2021. Collection method: clinical testing. Allele origin: germline. Affected: yes.
Comment: Nonsense variant predicted to result in protein truncation, as the last 86 amino acids are lost, and other loss-of-function variants have been reported downstream in HGMD; Not observed at significant frequency in large population cohorts (gnomAD); This variant is associated with the following publications: (PMID: 20685671, 20849849, 23628762, 25614874, 24077912)

Blueprint Genetics
Classification: Likely pathogenic for GDAP1-related disorders. Last evaluated: 2022-08-16. Review status: criteria provided, single submitter. Criteria: ACMG Guidelines, 2015. Collection method: clinical testing. Allele origin: germline. Affected: yes. Observed: 3 variant alleles.

Literature cited by the submitters: PubMed 25614874 (cited by Mayo Clinic Laboratories, Mayo Clinic and Labcorp Genetics (formerly Invitae), Labcorp).

NM_018972.4(GDAP1):c.817C>T (p.Arg273Ter)

Gene: GDAP1 (ganglioside induced differentiation associated protein 1; plus strand). Cytogenetic location: 8q21.11.
Variant type: single nucleotide variant.
Coding change: c.817C>T on transcript NM_018972.4 (MANE Select); coding-DNA position 817, C replaced by T.
Protein change: p.Arg273Ter; replaces arginine 273 with a stop codon.
Molecular consequence: nonsense. On other transcripts: intron variant (1).
Genome position (GRCh38, 1-based): chr8:74,364,107, C>T. VCF-style: chr8-74364107-C-T. GRCh37 (hg19) VCF-style: chr8-75276342-C-T.
Other names: p.Arg273*; c.613C>T, p.Arg205Ter (NM_001040875.4); c.490C>T, p.Arg164Ter (NM_001362929.2, NM_001362932.2); c.643C>T, p.Arg215Ter (NM_001362930.2); c.694+1054C>T (NM_001362931.2); short protein forms R215*, R205*, R273*, R164*.
Identifiers: ClinVar variation 849494 (VCV000849494.10), dbSNP rs150989205, ClinGen allele CA4785204.